The following is an entry in ClinVar:

NM_000059.4(BRCA2):c.3241T>C (p.Cys1081Arg)

Gene: BRCA2 (BRCA2 DNA repair associated; plus strand). Cytogenetic location: 13q13.1.
Variant type: single nucleotide variant.
Coding change: c.3241T>C on transcript NM_000059.4 (MANE Select); coding-DNA position 3241, T replaced by C.
Protein change: p.Cys1081Arg; replaces cysteine 1081 with arginine.
Molecular consequence: missense variant.
Genome position (GRCh38, 1-based): chr13:32,337,596, T>C. VCF-style: chr13-32337596-T-C. GRCh37 (hg19) VCF-style: chr13-32911733-T-C.
Other names: short protein forms C1081R.
Identifiers: ClinVar variation 441450 (VCV000441450.8), dbSNP rs1555283117, ClinGen allele CA387775943.

ClinVar aggregate classification (germline): Conflicting classifications of pathogenicity. Review status: criteria provided, conflicting classifications (1 of 4 stars). 2 submissions from 2 submitters: Uncertain significance (1); Likely benign (1). Last evaluated 2025-10-23.

Conditions:
Hereditary cancer-predisposing syndrome. Also called: Hereditary Cancer Syndrome; Hereditary neoplastic syndrome; Neoplastic Syndromes, Hereditary; Tumor predisposition. Identifiers: Orphanet 140162, MedGen C0027672, MeSH D009386, MONDO:0015356.

Submissions (2):

Ambry Genetics
Classification: Uncertain significance for Hereditary cancer-predisposing syndrome. Last evaluated: 2025-10-23. Review status: criteria provided, single submitter. Criteria: Ambry Variant Classification Scheme 2023. Collection method: clinical testing. Allele origin: germline.
Comment: The p.C1081R variant (also known as c.3241T>C), located in coding exon 10 of the BRCA2 gene, results from a T to C substitution at nucleotide position 3241. The cysteine at codon 1081 is replaced by arginine, an amino acid with highly dissimilar properties. This variant was not reported in population based cohorts in the following databases: Database of Single Nucleotide Polymorphisms (dbSNP), NHLBI Exome Sequencing Project (ESP), and 1000 Genomes Project. In the ESP, this variant was not observed in 6487 samples (12974 alleles) with coverage at this position. To date, this alteration has been detected with an allele frequency of approximately 0.0003% (greater than 300000 alleles tested) in our clinical cohort. This amino acid position is poorly conserved in available vertebrate species. In addition, this alteration is predicted to be tolerated by in silico analysis. Since supporting evidence is limited at this time, the clinical significance of this alteration remains unclear.

University of Washington Department of Laboratory Medicine, University of Washington
Classification: Likely benign for Hereditary cancer-predisposing syndrome. Last evaluated: 2023-03-23. Review status: criteria provided, single submitter. Criteria: Dines et al. (Genet Med. 2020). Collection method: curation. Allele origin: germline.
Comment: Missense variant in a coldspot region where missense variants are very unlikely to be pathogenic (PMID:31911673).

BRCA2 exon 11 coldspot. Reclassification based on statistical prior probability.